The following is an entry in ClinVar:

NM_152393.4(KLHL40):c.1373T>C (p.Leu458Pro)

Gene: KLHL40 (kelch like family member 40; plus strand). Cytogenetic location: 3p22.1.
Variant type: single nucleotide variant.
Coding change: c.1373T>C on transcript NM_152393.4 (MANE Select); coding-DNA position 1373, T replaced by C.
Protein change: p.Leu458Pro; replaces leucine 458 with proline.
Molecular consequence: missense variant.
Genome position (GRCh38, 1-based): chr3:42,688,669, T>C. VCF-style: chr3-42688669-T-C. GRCh37 (hg19) VCF-style: chr3-42730161-T-C.
Other names: short protein forms L458P.
Identifiers: ClinVar variation 1008983 (VCV001008983.5), dbSNP rs1697313619, ClinGen allele CA352293864.

ClinVar aggregate classification (germline): Uncertain significance (1 of 4 stars; one submission).

Conditions:
Nemaline myopathy 8 (NEM8). Also called: Nemaline myopathy 8, autosomal recessive. Identifiers: Orphanet 171430, MedGen C3809209, MONDO:0014138, OMIM 615348.

Allele frequency attached by ClinVar (database versions not stated): gnomAD exomes below 0.00001.
gnomAD v4.1: 1 of 1,613,932 alleles (0.000062%); highest among the groups gnomAD compares: East Asian, 0.0022%; no homozygotes.

Submission:

Labcorp Genetics (formerly Invitae), Labcorp
Classification: Uncertain significance for Nemaline myopathy 8. Last evaluated: 2020-02-19. Review status: criteria provided, single submitter. Criteria: Invitae Variant Classification Sherloc (09022015). Collection method: clinical testing. Allele origin: germline.
Comment: This sequence change replaces leucine with proline at codon 458 of the KLHL40 protein (p.Leu458Pro). The leucine residue is weakly conserved and there is a moderate physicochemical difference between leucine and proline. This variant is not present in population databases (ExAC no frequency). This variant has been observed in individual(s) with clinical features of congenital myopathy (Invitae). In at least one individual the data is consistent with the variant being in trans (on the opposite chromosome) from a pathogenic variant. Algorithms developed to predict the effect of missense changes on protein structure and function are either unavailable or do not agree on the potential impact of this missense change (SIFT: "Tolerated"; PolyPhen-2: "Benign"; Align-GVGD: "Class C0"). In summary, the available evidence is currently insufficient to determine the role of this variant in disease. Therefore, it has been classified as a Variant of Uncertain Significance.